The following is an entry in ClinVar:

NM_000286.3(PEX12):c.892C>T (p.Pro298Ser)

Gene: PEX12 (peroxisomal biogenesis factor 12; minus strand). Cytogenetic location: 17q12.
Variant type: single nucleotide variant.
Coding change: c.892C>T on transcript NM_000286.3 (MANE Select); coding-DNA position 892, C replaced by T.
Protein change: p.Pro298Ser; replaces proline 298 with serine.
Molecular consequence: missense variant.
Genome position (GRCh38, 1-based): chr17:35,575,970, G>A on the plus strand (C>T on the coding strand, the complement: PEX12 is on the minus strand). VCF-style: chr17-35575970-G-A. GRCh37 (hg19) VCF-style: chr17-33902989-G-A.
Other names: short protein forms P298S.
Identifiers: ClinVar variation 1376727 (VCV001376727.5), dbSNP rs2072782397, ClinGen allele CA399137155.
Genomic context (GRCh38, chr17:35,575,970, plus strand): 5'-CAAGAACAGTATCATTCACCCGGGTTTTACGACACAGTGGGCACACAGTCTTCATTTTGG[G>A]TAAGAGGGGAGAATCAGAGTTATAGTCTAGGTGTACAGGTGGTGGTGGAGTAGGCAGGGC-3'
Protein context (NP_000277.1, residues 288-308): LDYNSDSPLL[Pro298Ser]KMKTVCPLCR

ClinVar aggregate classification (germline): Uncertain significance (1 of 4 stars; one submission).

Conditions:
Peroxisome biogenesis disorder 3A (Zellweger). Also called: Peroxisome biogenesis disorder 3A; PEROXISOMAL BIOGENESIS DISORDER 3A (ZELLWEGER). Identifiers: Orphanet 912, MedGen C3553929, MONDO:0013927, OMIM 614859.

Submission:

Labcorp Genetics (formerly Invitae), Labcorp
Classification: Uncertain significance for Peroxisome biogenesis disorder 3A (Zellweger). Last evaluated: 2021-09-17. Review status: criteria provided, single submitter. Criteria: Invitae Variant Classification Sherloc (09022015). Collection method: clinical testing. Allele origin: germline.
Comment: This sequence change replaces proline with serine at codon 298 of the PEX12 protein (p.Pro298Ser). The proline residue is moderately conserved and there is a moderate physicochemical difference between proline and serine. This variant is not present in population databases (ExAC no frequency). This variant has not been reported in the literature in individuals with PEX12-related conditions. Algorithms developed to predict the effect of missense changes on protein structure and function are either unavailable or do not agree on the potential impact of this missense change (SIFT: "Tolerated"; PolyPhen-2: "Probably Damaging"; Align-GVGD: "Class C0"). In summary, the available evidence is currently insufficient to determine the role of this variant in disease. Therefore, it has been classified as a Variant of Uncertain Significance.